The following is an entry in ClinVar:

ClinVar aggregate classification (germline): Uncertain significance. Review status: criteria provided, multiple submitters, no conflicts (2 of 4 stars). 2 submissions from 2 submitters: Uncertain significance (2). Last evaluated 2025-06-23.

Conditions:
Inborn genetic diseases. Identifiers: MedGen C0950123, MeSH D030342.
Ellis-van Creveld syndrome (EVC). Also called: EVC-Related Ellis-van Creveld Syndrome; EVC2-Related Ellis-van Creveld Syndrome; MESOECTODERMAL DYSPLASIA; Chondroectodermal dysplasia. Identifiers: Orphanet 289, MedGen C0013903, MONDO:0009162, OMIM 225500.
Curry-Hall syndrome (WAD). Also called: WEYERS ACRODENTAL DYSOSTOSIS. Identifiers: Orphanet 952, MedGen C0457013, MONDO:0008673, OMIM 193530.

Allele frequency attached by ClinVar (database versions not stated): ExAC 0.00001; gnomAD 0.00001; gnomAD exomes 0.00001; TOPMed 0.00004.
gnomAD v4.1: 6 of 1,613,968 alleles (0.00037%); highest among the groups gnomAD compares: East Asian, 0.011%; no homozygotes.

Submissions (2):

Labcorp Genetics (formerly Invitae), Labcorp
Classification: Uncertain significance for Curry-Hall syndrome; Ellis-van Creveld syndrome. Last evaluated: 2025-06-23. Review status: criteria provided, single submitter. Criteria: Invitae Variant Classification Sherloc (09022015). Collection method: clinical testing. Allele origin: germline.
Comment: This sequence change replaces alanine, which is neutral and non-polar, with threonine, which is neutral and polar, at codon 618 of the EVC2 protein (p.Ala618Thr). This variant is present in population databases (rs765933739, gnomAD 0.02%). This variant has not been reported in the literature in individuals affected with EVC2-related conditions. ClinVar contains an entry for this variant (Variation ID: 1448283). An algorithm developed to predict the effect of missense changes on protein structure and function outputs the following: PolyPhen-2: "Benign". The threonine amino acid residue is found in multiple mammalian species, which suggests that this missense change does not adversely affect protein function. In summary, the available evidence is currently insufficient to determine the role of this variant in disease. Therefore, it has been classified as a Variant of Uncertain Significance.

Ambry Genetics
Classification: Uncertain significance for Inborn genetic diseases. Last evaluated: 2024-01-02. Review status: criteria provided, single submitter. Criteria: Ambry Variant Classification Scheme 2023. Collection method: clinical testing. Allele origin: germline.

NM_147127.5(EVC2):c.1852G>A (p.Ala618Thr)

Gene: EVC2 (EvC ciliary complex subunit 2; minus strand). Cytogenetic location: 4p16.2.
Variant type: single nucleotide variant.
Coding change: c.1852G>A on transcript NM_147127.5 (MANE Select); coding-DNA position 1852, G replaced by A.
Protein change: p.Ala618Thr; replaces alanine 618 with threonine.
Molecular consequence: missense variant.
Genome position (GRCh38, 1-based): chr4:5,628,593, C>T on the plus strand (G>A on the coding strand, the complement: EVC2 is on the minus strand). VCF-style: chr4-5628593-C-T. GRCh37 (hg19) VCF-style: chr4-5630320-C-T.
Other names: c.1612G>A, p.Ala538Thr (NM_001166136.2); c.1852G>A (NM_147127.4); short protein forms A538T, A618T.
Identifiers: ClinVar variation 1448283 (VCV001448283.6), dbSNP rs765933739, ClinGen allele CA2834921.